The following is an entry in ClinVar:

ClinVar aggregate classification (germline): Uncertain significance. Review status: criteria provided, multiple submitters, no conflicts (2 of 4 stars). 8 submissions from 8 submitters: Uncertain significance (8). Last evaluated 2026-01-31.

Conditions:
Familial adenomatous polyposis 2. Also called: COLORECTAL ADENOMATOUS POLYPOSIS, AUTOSOMAL RECESSIVE; MYH-associated polyposis; FAP type 2; Adenomas, multiple colorectal; MUTYH-associated polyposis; MUTYH-related attenuated familial adenomatous polyposis. Identifiers: Orphanet 220460, Orphanet 247798, MedGen C3272841, MONDO:0012041, OMIM 608456.
Gastric cancer. Also called: Stomach cancer; Malignant tumor of stomach. Identifiers: MedGen C0024623, MeSH D013274, MONDO:0001056, OMIM 613659, HP:0012126.
Hereditary cancer-predisposing syndrome. Also called: Tumor predisposition; Hereditary Cancer Syndrome; Hereditary neoplastic syndrome; Neoplastic Syndromes, Hereditary. Identifiers: Orphanet 140162, MedGen C0027672, MeSH D009386, MONDO:0015356.

Allele frequency attached by ClinVar (database versions not stated): gnomAD exomes below 0.00001; gnomAD 0.00001; TOPMed 0.00001.

Submissions (8):

Labcorp Genetics (formerly Invitae), Labcorp
Classification: Uncertain significance for Familial adenomatous polyposis 2. Last evaluated: 2026-01-31. Review status: criteria provided, single submitter. Criteria: Invitae Variant Classification Sherloc (09022015). Collection method: clinical testing. Allele origin: germline.
Comment: This sequence change replaces glutamine, which is neutral and polar, with proline, which is neutral and non-polar, at codon 33 of the MUTYH protein (p.Gln33Pro). This variant is present in population databases (no rsID available, gnomAD 0.0009%). This variant has not been reported in the literature in individuals affected with MUTYH-related conditions. ClinVar contains an entry for this variant (Variation ID: 216525). An algorithm developed to predict the effect of missense changes on protein structure and function outputs the following: PolyPhen-2: "Benign". The proline amino acid residue is found in multiple mammalian species, which suggests that this missense change does not adversely affect protein function. In summary, the available evidence is currently insufficient to determine the role of this variant in disease. Therefore, it has been classified as a Variant of Uncertain Significance.

Center for Genomic Medicine, Rigshospitalet, Copenhagen University Hospital
Classification: Uncertain significance. Last evaluated: 2025-12-29. Review status: criteria provided, single submitter. Criteria: ACMG Guidelines, 2015. Collection method: clinical testing. Allele origin: germline.
Comment: Classification criteria: BP4_moderate

Ambry Genetics
Classification: Uncertain significance for Hereditary cancer-predisposing syndrome. Last evaluated: 2024-12-20. Review status: criteria provided, single submitter. Criteria: Ambry Variant Classification Scheme 2023. Collection method: clinical testing. Allele origin: germline.
Comment: The p.Q33P variant (also known as c.98A>C), located in coding exon 2 of the MUTYH gene, results from an A to C substitution at nucleotide position 98. The glutamine at codon 33 is replaced by proline, an amino acid with similar properties. This amino acid position is not well conserved in available vertebrate species. In addition, this alteration is predicted to be tolerated by in silico analysis. Since supporting evidence is limited at this time, the clinical significance of this alteration remains unclear.

All of Us Research Program, National Institutes of Health
Classification: Uncertain significance for Familial adenomatous polyposis 2. Last evaluated: 2024-09-23. Review status: criteria provided, single submitter. Criteria: ACMG Guidelines, 2015. Collection method: clinical testing. Allele origin: germline. Inheritance: Autosomal recessive inheritance. Observed: 10 variant alleles, 10 heterozygotes.
Comment: This missense variant replaces glutamine with proline at codon 33 of the MUTYH protein. This variant is also known as c.56A>C (p.Gln19Pro) referencing another transcript (NM_001048174.2). Computational prediction suggests that this variant may not impact protein structure and function (internally defined REVEL score threshold <= 0.5, PMID: 27666373). To our knowledge, functional studies have not been reported for this variant. This variant has not been reported in individuals affected with MUTYH-related disorders in the literature. This variant has been identified in 1/251490 chromosomes in the general population by the Genome Aggregation Database (gnomAD). The available evidence is insufficient to determine the role of this variant in disease conclusively. Therefore, this variant is classified as a Variant of Uncertain Significance.

This study involves interpretation of variants in research participants for the purpose of population health screening. Participant phenotype was not available at the time of variant classification. Additional details can be found in publication PMID: 35346344, PMCID: PMC8962531

GeneDx
Classification: Uncertain significance. Last evaluated: 2024-09-12. Review status: criteria provided, single submitter. Criteria: GeneDx Variant Classification Process June 2021. Collection method: clinical testing. Allele origin: germline. Affected: yes.
Comment: Not observed at significant frequency in large population cohorts (gnomAD); In silico analysis supports that this missense variant has a deleterious effect on protein structure/function; Not observed in any cases, but was observed in a single unaffected control from a breast cancer study (PMID: 33471991); This variant is associated with the following publications: (PMID: 33471991)

Fulgent Genetics
Classification: Uncertain significance for Familial adenomatous polyposis 2; Gastric cancer. Last evaluated: 2024-06-18. Review status: criteria provided, single submitter. Criteria: ACMG Guidelines, 2015. Collection method: clinical testing. Allele origin: germline.

Color Diagnostics, LLC DBA Color Health
Classification: Uncertain significance for Hereditary cancer-predisposing syndrome. Last evaluated: 2023-09-11. Review status: criteria provided, single submitter. Criteria: ACMG Guidelines, 2015. Collection method: clinical testing. Allele origin: germline.
Comment: This missense variant replaces glutamine with proline at codon 33 of the MUTYH protein. This variant is also known as c.56A>C (p.Gln19Pro) referencing another transcript (NM_001048174.2). Computational prediction suggests that this variant may not impact protein structure and function (internally defined REVEL score threshold <= 0.5, PMID: 27666373). To our knowledge, functional studies have not been reported for this variant. This variant has not been reported in individuals affected with MUTYH-related disorders in the literature. This variant has been identified in 1/251490 chromosomes in the general population by the Genome Aggregation Database (gnomAD). The available evidence is insufficient to determine the role of this variant in disease conclusively. Therefore, this variant is classified as a Variant of Uncertain Significance.

Sema4
Classification: Uncertain significance for Hereditary cancer-predisposing syndrome. Last evaluated: 2021-09-20. Review status: criteria provided, single submitter. Criteria: Sema4 Curation Guidelines. Collection method: curation. Allele origin: germline.
Comment: The MUTYH c.98A>C (p.Q33P) variant has been reported in 3/60466 breast cancer cases and 1/53461 healthy controls by a large case-control study (PMID: 33471991). This variant was observed in 1/113764 chromosomes in the Non-Finnish European population according to the Genome Aggregation Database (PMID: 32461654). This variant has been reported in ClinVar (Variation ID: 216525). In silico tools suggest the impact of the variant on protein function is benign, though these predictions have not been confirmed by functional studies. The overall evidence is insufficient to meet ACMG/AMP criteria for classifying it as benign or pathogenic. In summary, the clinical significance of this variant is currently uncertain.

Literature cited by the submitters: PubMed 33471991 (cited by Sema4).

NM_001048174.2(MUTYH):c.56A>C (p.Gln19Pro)

Gene: MUTYH (mutY DNA glycosylase; minus strand). Cytogenetic location: 1p34.1.
Variant type: single nucleotide variant.
Coding change: c.56A>C on transcript NM_001048174.2 (MANE Select); coding-DNA position 56, A replaced by C.
Protein change: p.Gln19Pro; replaces glutamine 19 with proline.
Molecular consequence: missense variant. On other transcripts: 5 prime UTR variant (4), non-coding transcript variant (2).
Genome position (GRCh38, 1-based): chr1:45,334,450, T>G on the plus strand (A>C on the coding strand, the complement: MUTYH is on the minus strand). VCF-style: chr1-45334450-T-G. GRCh37 (hg19) VCF-style: chr1-45800122-T-G.
Other names: c.98A>C, p.Gln33Pro (NM_001128425.2, NM_001293190.2, NM_012222.3); c.56A>C, p.Gln19Pro (NM_001293191.2, NM_001293195.2, NM_001048171.2 and 2 more transcripts); c.-157A>C (NM_001293192.2, NM_001293196.2); c.-216A>C (NM_001350650.2); c.-152A>C (NM_001350651.2); short protein forms Q33P, Q19P.
Identifiers: ClinVar variation 216525 (VCV000216525.26), dbSNP rs863224701, ClinGen allele CA336648.